The following is an entry in ClinVar:

ClinVar aggregate classification (germline): Uncertain significance (1 of 4 stars; one submission).

Conditions:
Nemaline myopathy 2 (NEM2). Also called: Nemaline myopathy 2, autosomal recessive. Identifiers: MedGen C1850569, MONDO:0009725, OMIM 256030.

Submission:

Labcorp Genetics (formerly Invitae), Labcorp
Classification: Uncertain significance for Nemaline myopathy 2. Last evaluated: 2022-06-25. Review status: criteria provided, single submitter. Criteria: Invitae Variant Classification Sherloc (09022015). Collection method: clinical testing. Allele origin: germline.
Comment: This variant is not present in population databases (gnomAD no frequency). This variant has not been reported in the literature in individuals affected with NEB-related conditions. Algorithms developed to predict the effect of missense changes on protein structure and function are either unavailable or do not agree on the potential impact of this missense change (SIFT: "Deleterious"; PolyPhen-2: "Not Available"; Align-GVGD: "Class C0"). In summary, the available evidence is currently insufficient to determine the role of this variant in disease. Therefore, it has been classified as a Variant of Uncertain Significance. This sequence change replaces alanine, which is neutral and non-polar, with threonine, which is neutral and polar, at codon 2260 of the NEB protein (p.Ala2260Thr).

NM_001164508.2(NEB):c.6778G>A (p.Ala2260Thr)

Gene: NEB (nebulin; minus strand). Cytogenetic location: 2q23.3.
Variant type: single nucleotide variant.
Coding change: c.6778G>A on transcript NM_001164508.2 (MANE Select); coding-DNA position 6778, G replaced by A.
Protein change: p.Ala2260Thr; replaces alanine 2260 with threonine.
Molecular consequence: missense variant.
Genome position (GRCh38, 1-based): chr2:151,655,299, C>T on the plus strand (G>A on the coding strand, the complement: NEB is on the minus strand). VCF-style: chr2-151655299-C-T. GRCh37 (hg19) VCF-style: chr2-152511813-C-T.
Other names: c.6778G>A, p.Ala2260Thr (NM_001164507.2, NM_001271208.2, NM_004543.5); short protein forms A2260T.
Identifiers: ClinVar variation 2179843 (VCV002179843.4), dbSNP rs922801085, ClinGen allele CA348794152.